The following is an entry in ClinVar:

NM_000093.5(COL5A1):c.515T>A (p.Val172Asp)

Gene: COL5A1 (collagen type V alpha 1 chain; plus strand). Cytogenetic location: 9q34.3.
Variant type: single nucleotide variant.
Coding change: c.515T>A on transcript NM_000093.5 (MANE Select); coding-DNA position 515, T replaced by A.
Protein change: p.Val172Asp; replaces valine 172 with aspartic acid.
Molecular consequence: missense variant.
Genome position (GRCh38, 1-based): chr9:134,701,194, T>A. VCF-style: chr9-134701194-T-A. GRCh37 (hg19) VCF-style: chr9-137593040-T-A.
Other names: c.515T>A, p.Val172Asp (NM_001278074.1); short protein forms V172D.
Identifiers: ClinVar variation 492835 (VCV000492835.7), dbSNP rs1554781678, ClinGen allele CA375443245.

ClinVar aggregate classification (germline): Likely pathogenic. Review status: criteria provided, single submitter (1 of 4 stars). 2 submissions from 2 submitters: Likely pathogenic (1). 1 of the submissions does not count toward it. Last evaluated 2022-06-10.

Conditions:
Ehlers-Danlos syndrome, classic type, 1 (EDSCL1). Also called: EHLERS-DANLOS SYNDROME, GRAVIS TYPE; EHLERS-DANLOS SYNDROME, SEVERE CLASSIC TYPE; EDS I; Ehlers-Danlos Syndrome, Classic Type, COL5A1-Related; Ehlers-Danlos syndrome, type 1. Identifiers: MedGen C0268335, MONDO:0019567, OMIM 130000.
Ehlers-Danlos syndrome, classic type (cEDS). Identifiers: Orphanet 287, MedGen C4225429, MONDO:0007522.

Submissions (2):

Labcorp Genetics (formerly Invitae), Labcorp
Classification: Likely pathogenic for Ehlers-Danlos syndrome, classic type, 1. Last evaluated: 2022-06-10. Review status: criteria provided, single submitter. Criteria: Invitae Variant Classification Sherloc (09022015). Collection method: clinical testing. Allele origin: germline.
Comment: Advanced modeling of protein sequence and biophysical properties (such as structural, functional, and spatial information, amino acid conservation, physicochemical variation, residue mobility, and thermodynamic stability) performed at Invitae indicates that this missense variant is not expected to disrupt COL5A1 protein function. ClinVar contains an entry for this variant (Variation ID: 492835). This missense change has been observed in individual(s) with clinical features of COL5A1-related conditions (Invitae). In at least one individual the variant was observed to be de novo. This variant is not present in population databases (gnomAD no frequency). This sequence change replaces valine, which is neutral and non-polar, with aspartic acid, which is acidic and polar, at codon 172 of the COL5A1 protein (p.Val172Asp). In summary, the currently available evidence indicates that the variant is pathogenic, but additional data are needed to prove that conclusively. Therefore, this variant has been classified as Likely Pathogenic.

Clinical Molecular Genetics Laboratory, Johns Hopkins All Children's Hospital
Classification: Uncertain significance for Ehlers-Danlos syndrome, classic type, 1. Last evaluated: 2017-08-22. Review status: no assertion criteria provided. Collection method: clinical testing. Allele origin: germline. Affected: yes. Not counted in ClinVar's aggregate classification.